The following is an entry in ClinVar:

NM_001110556.2(FLNA):c.6734dup (p.Gly2247fs)

Gene: FLNA (filamin A; minus strand). Cytogenetic location: Xq28.
Variant type: Duplication.
Coding change: c.6734dup on transcript NM_001110556.2 (MANE Select); coding-DNA position 6734, one base duplicated (G; older notation c.6734dupG).
Protein change: p.Gly2247fs; shifts the reading frame from glycine 2247.
Molecular consequence: frameshift variant.
Genome position (GRCh38, 1-based): chrX:154,352,216, C duplicated on the plus strand (G on the coding strand, the reverse complement: FLNA is on the minus strand); the first of 5 consecutive C bases (chrX:154,352,216-154,352,220); duplicating any one gives the same sequence. VCF-style (leftmost placement, unchanged base first): chrX-154352215-G-GC. GRCh37 (hg19) VCF-style: chrX-153580583-G-GC.
Other names: c.6710dup, p.Gly2239fs (NM_001456.4); short protein forms G2239fs, G2247fs.
Identifiers: ClinVar variation 4292214 (VCV004292214.1).
Genomic context (GRCh38, chrX:154,352,215, plus strand): 5'-AGCACTCGGGGTGTGAGCAGGCCTACCTGGCACTCCAGCTTCAGCTCTCTCCAGGCCAGG[G>GC]CCCCCAGCTCGGACCTTGTGGGCTCCCCCTTCCCCTAGGGGCCCCACGGTGAACTGGAAG-3'

ClinVar aggregate classification (germline): Likely pathogenic (1 of 4 stars; one submission).

Conditions:
Heterotopia, periventricular, X-linked dominant (PVNH1). Also called: PERIVENTRICULAR NODULAR HETEROTOPIA 4; HETEROTOPIA, PERIVENTRICULAR, 1; PERIVENTRICULAR NODULAR HETEROTOPIA 1; X-linked periventricular heterotopia. Identifiers: Orphanet 2149, Orphanet 82004, MedGen C1848213, MONDO:0010233, OMIM 300049.

Submission:

3billion
Classification: Likely pathogenic for Heterotopia, periventricular, X-linked dominant. Last evaluated: 2024-06-18. Review status: criteria provided, single submitter. Criteria: ACMG Guidelines, 2015. Collection method: clinical testing. Allele origin: germline. Affected: yes.
Comment: The variant is not observed in the gnomAD v4.0.0 dataset. Predicted Consequence/Location: Frameshift: predicted to result in a loss or disruption of normal protein function through nonsense-mediated decay (NMD) or protein truncation. Multiple pathogenic variants are reported downstream of the variant. Therefore, this variant is classified as Likely pathogenic according to the recommendation of ACMG/AMP guideline.